The following is an entry in ClinVar:

ClinVar aggregate classification (germline): Uncertain significance (1 of 4 stars; one submission).

Allele frequency attached by ClinVar (database versions not stated): gnomAD 0.00002; gnomAD exomes 0.00003; TOPMed 0.00004.
gnomAD v4.1: 40 of 1,611,160 alleles (0.0025%); highest among the groups gnomAD compares: African/African-American, 0.004%; no homozygotes.

Submission:

Labcorp Genetics (formerly Invitae), Labcorp
Classification: Uncertain significance. Last evaluated: 2025-09-02. Review status: criteria provided, single submitter. Criteria: Invitae Variant Classification Sherloc (09022015). Collection method: clinical testing. Allele origin: germline.
Comment: This sequence change replaces threonine, which is neutral and polar, with alanine, which is neutral and non-polar, at codon 791 of the HYOU1 protein (p.Thr791Ala). This variant is present in population databases (rs782424447, gnomAD 0.0009%). This variant has not been reported in the literature in individuals affected with HYOU1-related conditions. ClinVar contains an entry for this variant (Variation ID: 1521440). Experimental studies and prediction algorithms are not available or were not evaluated, and the functional significance of this variant is currently unknown. In summary, the available evidence is currently insufficient to determine the role of this variant in disease. Therefore, it has been classified as a Variant of Uncertain Significance.

NM_006389.5(HYOU1):c.2371A>G (p.Thr791Ala)

Gene: HYOU1 (hypoxia up-regulated 1; minus strand). Cytogenetic location: 11q23.3.
Variant type: single nucleotide variant.
Coding change: c.2371A>G on transcript NM_006389.5 (MANE Select); coding-DNA position 2371, A replaced by G.
Protein change: p.Thr791Ala; replaces threonine 791 with alanine.
Molecular consequence: missense variant.
Genome position (GRCh38, 1-based): chr11:119,048,253, T>C on the plus strand (A>G on the coding strand, the complement: HYOU1 is on the minus strand). VCF-style: chr11-119048253-T-C. GRCh37 (hg19) VCF-style: chr11-118918965-T-C.
Other names: c.2371A>G, p.Thr791Ala (NM_001130991.3); short protein forms T791A.
Identifiers: ClinVar variation 1521440 (VCV001521440.6), dbSNP rs782424447, ClinGen allele CA229618490.